The following is an entry in ClinVar:

ClinVar aggregate classification (germline): Uncertain significance. Review status: criteria provided, multiple submitters, no conflicts (2 of 4 stars). 2 submissions from 2 submitters: Uncertain significance (2). Last evaluated 2025-09-02.

Conditions:
LAMA2-related muscular dystrophy (LAMA2-RD). Also called: Laminin alpha 2-related dystrophy. Identifiers: MedGen C5679788, MONDO:0100228.

Allele frequency attached by ClinVar (database versions not stated): gnomAD exomes below 0.00001; ExAC 0.00001.
gnomAD v4.1: 1 of 1,589,562 alleles (0.000063%); highest among the groups gnomAD compares: Admixed American, 0.0017%; no homozygotes.

Submissions (2):

Labcorp Genetics (formerly Invitae), Labcorp
Classification: Uncertain significance for LAMA2-related muscular dystrophy. Last evaluated: 2025-09-02. Review status: criteria provided, single submitter. Criteria: Invitae Variant Classification Sherloc (09022015). Collection method: clinical testing. Allele origin: germline.
Comment: This sequence change replaces cysteine, which is neutral and slightly polar, with serine, which is neutral and polar, at codon 1136 of the LAMA2 protein (p.Cys1136Ser). This variant is present in population databases (rs764024605, gnomAD 0.003%). This missense change has been observed in individual(s) with clinical features of LAMA2-related conditions (internal data). In at least one individual the data is consistent with being in trans (on the opposite chromosome) from a pathogenic variant. ClinVar contains an entry for this variant (Variation ID: 1443675). Invitae Evidence Modeling of protein sequence and biophysical properties (such as structural, functional, and spatial information, amino acid conservation, physicochemical variation, residue mobility, and thermodynamic stability) has been performed for this missense variant. However, the output from this modeling did not meet the statistical confidence thresholds required to predict the impact of this variant on LAMA2 protein function. In summary, the available evidence is currently insufficient to determine the role of this variant in disease. Therefore, it has been classified as a Variant of Uncertain Significance.

Revvity Omics, Revvity
Classification: Uncertain significance. Last evaluated: 2022-01-18. Review status: criteria provided, single submitter. Criteria: ACMG Guidelines, 2015. Collection method: clinical testing. Allele origin: germline.

NM_000426.4(LAMA2):c.3406T>A (p.Cys1136Ser)

Gene: LAMA2 (laminin subunit alpha 2; plus strand). Cytogenetic location: 6q22.33.
Variant type: single nucleotide variant.
Coding change: c.3406T>A on transcript NM_000426.4 (MANE Select); coding-DNA position 3406, T replaced by A.
Protein change: p.Cys1136Ser; replaces cysteine 1136 with serine.
Molecular consequence: missense variant.
Genome position (GRCh38, 1-based): chr6:129,313,092, T>A. VCF-style: chr6-129313092-T-A. GRCh37 (hg19) VCF-style: chr6-129634237-T-A.
Other names: c.3406T>A, p.Cys1136Ser (NM_001079823.2); c.3406T>A (NM_000426.3); short protein forms C1136S.
Identifiers: ClinVar variation 1443675 (VCV001443675.8), dbSNP rs764024605, ClinGen allele CA3993243.